The following is an entry in ClinVar:

ClinVar aggregate classification (germline): Uncertain significance. Review status: criteria provided, multiple submitters, no conflicts (2 of 4 stars). 2 submissions from 2 submitters: Uncertain significance (2). Last evaluated 2025-09-15.

Conditions:
Cardiovascular phenotype. Identifiers: MedGen CN230736.
Arrhythmogenic right ventricular dysplasia 9 (ARVD9). Also called: ARRHYTHMOGENIC RIGHT VENTRICULAR DYSPLASIA, FAMILIAL, 9; Arrhythmogenic Right Ventricular Dysplasia/Cardiomyopathy 9. Identifiers: MedGen C1836906, MONDO:0012180, OMIM 609040.

Allele frequency attached by ClinVar (database versions not stated): gnomAD exomes below 0.00001; TOPMed below 0.00001; gnomAD 0.00001.
gnomAD v4.1: 3 of 1,613,988 alleles (0.00019%); highest among the groups gnomAD compares: African/African-American, 0.0027%; no homozygotes.

Submissions (2):

Labcorp Genetics (formerly Invitae), Labcorp
Classification: Uncertain significance for Arrhythmogenic right ventricular dysplasia 9. Last evaluated: 2025-09-15. Review status: criteria provided, single submitter. Criteria: Invitae Variant Classification Sherloc (09022015). Collection method: clinical testing. Allele origin: germline.
Comment: This sequence change replaces tyrosine, which is neutral and polar, with aspartic acid, which is acidic and polar, at codon 697 of the PKP2 protein (p.Tyr697Asp). This variant is not present in population databases (gnomAD no frequency). This variant has not been reported in the literature in individuals affected with PKP2-related conditions. ClinVar contains an entry for this variant (Variation ID: 2564442). An algorithm developed to predict the effect of missense changes on protein structure and function (PolyPhen-2) suggests that this variant is likely to be disruptive. In summary, the available evidence is currently insufficient to determine the role of this variant in disease. Therefore, it has been classified as a Variant of Uncertain Significance.

Ambry Genetics
Classification: Uncertain significance for Cardiovascular phenotype. Last evaluated: 2023-06-21. Review status: criteria provided, single submitter. Criteria: Ambry Variant Classification Scheme 2023. Collection method: clinical testing. Allele origin: germline.
Comment: The p.Y697D variant (also known as c.2089T>G), located in coding exon 10 of the PKP2 gene, results from a T to G substitution at nucleotide position 2089. The tyrosine at codon 697 is replaced by aspartic acid, an amino acid with highly dissimilar properties. This amino acid position is conserved. In addition, this alteration is predicted to be tolerated by in silico analysis. Since supporting evidence is limited at this time, the clinical significance of this alteration remains unclear.

NM_001005242.3(PKP2):c.1957T>G (p.Tyr653Asp)

Gene: PKP2 (plakophilin 2; minus strand). Cytogenetic location: 12p11.21.
Variant type: single nucleotide variant.
Coding change: c.1957T>G on transcript NM_001005242.3 (MANE Select); coding-DNA position 1957, T replaced by G.
Protein change: p.Tyr653Asp; replaces tyrosine 653 with aspartic acid.
Molecular consequence: missense variant.
Genome position (GRCh38, 1-based): chr12:32,821,412, A>C on the plus strand (T>G on the coding strand, the complement: PKP2 is on the minus strand). VCF-style: chr12-32821412-A-C. GRCh37 (hg19) VCF-style: chr12-32974346-A-C.
Other names: c.1957T>G, p.Tyr653Asp (NM_001407155.1, NM_001407161.1); c.1792T>G, p.Tyr598Asp (NM_001407156.1); c.2089T>G, p.Tyr697Asp (NM_001407157.1, NM_004572.4); c.1630T>G, p.Tyr544Asp (NM_001407158.1, NM_001407159.1, NM_001407160.1 and 1 more transcripts); short protein forms Y598D, Y653D, Y544D, Y697D.
Identifiers: ClinVar variation 2564442 (VCV002564442.4), dbSNP rs1421219287, ClinGen allele CA384361714.